The following is an entry in ClinVar:

ClinVar aggregate classification (germline): Uncertain significance. Review status: criteria provided, multiple submitters, no conflicts (2 of 4 stars). 2 submissions from 2 submitters: Uncertain significance (2). Last evaluated 2025-11-10.

Conditions:
Hereditary cancer-predisposing syndrome. Also called: Tumor predisposition; Neoplastic Syndromes, Hereditary; Hereditary neoplastic syndrome; Hereditary Cancer Syndrome. Identifiers: Orphanet 140162, MedGen C0027672, MeSH D009386, MONDO:0015356.
Rhabdoid tumor predisposition syndrome 2 (RTPS2). Identifiers: Orphanet 231108, Orphanet 69077, MedGen C2750074, MONDO:0013224, OMIM 613325.

Submissions (2):

Ambry Genetics
Classification: Uncertain significance for Hereditary cancer-predisposing syndrome. Last evaluated: 2025-11-10. Review status: criteria provided, single submitter. Criteria: Ambry Variant Classification Scheme 2023. Collection method: clinical testing. Allele origin: germline.
Comment: The p.I542V variant (also known as c.1624A>G), located in coding exon 9 of the SMARCA4 gene, results from an A to G substitution at nucleotide position 1624. The isoleucine at codon 542 is replaced by valine, an amino acid with highly similar properties. This amino acid position is conserved. In addition, this alteration is predicted to be tolerated by in silico analysis. Based on the available evidence, the clinical significance of this variant remains unclear.

Labcorp Genetics (formerly Invitae), Labcorp
Classification: Uncertain significance for Rhabdoid tumor predisposition syndrome 2. Last evaluated: 2022-10-13. Review status: criteria provided, single submitter. Criteria: Invitae Variant Classification Sherloc (09022015). Collection method: clinical testing. Allele origin: germline.
Comment: In summary, the available evidence is currently insufficient to determine the role of this variant in disease. Therefore, it has been classified as a Variant of Uncertain Significance. Advanced modeling of protein sequence and biophysical properties (such as structural, functional, and spatial information, amino acid conservation, physicochemical variation, residue mobility, and thermodynamic stability) has been performed at Invitae for this missense variant, however the output from this modeling did not meet the statistical confidence thresholds required to predict the impact of this variant on SMARCA4 protein function. ClinVar contains an entry for this variant (Variation ID: 1516822). This variant has not been reported in the literature in individuals affected with SMARCA4-related conditions. This variant is not present in population databases (gnomAD no frequency). This sequence change replaces isoleucine, which is neutral and non-polar, with valine, which is neutral and non-polar, at codon 542 of the SMARCA4 protein (p.Ile542Val).

NM_003072.5(SMARCA4):c.1624A>G (p.Ile542Val)

Gene: SMARCA4 (SWI/SNF related BAF chromatin remodeling complex subunit ATPase 4; plus strand). Cytogenetic location: 19p13.2.
Variant type: single nucleotide variant.
Coding change: c.1624A>G on transcript NM_003072.5 (MANE Select); coding-DNA position 1624, A replaced by G.
Protein change: p.Ile542Val; replaces isoleucine 542 with valine.
Molecular consequence: missense variant. On other transcripts: non-coding transcript variant (1).
Genome position (GRCh38, 1-based): chr19:10,996,243, A>G. VCF-style: chr19-10996243-A-G. GRCh37 (hg19) VCF-style: chr19-11106919-A-G.
Other names: c.1624A>G (NM_001128849.1); c.1624A>G, p.Ile542Val (NM_001128844.3, NM_001128845.2, NM_001128846.2 and 5 more transcripts); short protein forms I542V.
Identifiers: ClinVar variation 1516822 (VCV001516822.7), dbSNP rs2145969738, ClinGen allele CA404064274.